The following is an entry in ClinVar:

NM_001135651.3(EIF2AK2):c.1234C>A (p.His412Asn)

Gene: EIF2AK2 (eukaryotic translation initiation factor 2 alpha kinase 2; minus strand). Cytogenetic location: 2p22.2.
Variant type: single nucleotide variant.
Coding change: c.1234C>A on transcript NM_001135651.3 (MANE Select); coding-DNA position 1234, C replaced by A.
Protein change: p.His412Asn; replaces histidine 412 with asparagine.
Molecular consequence: missense variant.
Genome position (GRCh38, 1-based): chr2:37,119,973, G>T on the plus strand (C>A on the coding strand, the complement: EIF2AK2 is on the minus strand). VCF-style: chr2-37119973-G-T. GRCh37 (hg19) VCF-style: chr2-37347116-G-T.
Other names: c.1111C>A, p.His371Asn (NM_001135652.3); c.1234C>A, p.His412Asn (NM_002759.4); short protein forms H371N, H412N.
Identifiers: ClinVar variation 3378047 (VCV003378047.1).
Genomic context (GRCh38, chr2:37,119,973, plus strand): 5'-ACTATATTATATATATATCAATTAATAAAGTACATTTTCCACTTACCTTAAGATCTCTAT[G>T]AATTAATTTTTTTGAATGTATATAATCCACCCCTTTTGTTATTTGTTCAAAGAGTTCCAA-3'
Protein context (NP_001129123.1, residues 402-422): VDYIHSKKLI[His412Asn]RDLKPSNIFL

ClinVar aggregate classification (germline): Uncertain significance (1 of 4 stars; one submission).

Submission:

GeneDx
Classification: Uncertain significance. Last evaluated: 2024-05-16. Review status: criteria provided, single submitter. Criteria: GeneDx Variant Classification Process June 2021. Collection method: clinical testing. Allele origin: germline. Affected: yes.
Comment: Not observed at significant frequency in large population cohorts (gnomAD); In silico analysis supports that this missense variant has a deleterious effect on protein structure/function; Has not been previously published as pathogenic or benign to our knowledge